The following is an entry in ClinVar:

ClinVar aggregate classification (germline): Pathogenic/Likely pathogenic. Review status: criteria provided, multiple submitters, no conflicts (2 of 4 stars). 2 submissions from 2 submitters: Pathogenic (1); Likely pathogenic (1). Last evaluated 2026-09-01.

Conditions:
ABCC2-related disorder. Also called: ABCC2-related condition.

Submissions (2):

PreventionGenetics, part of Exact Sciences
Classification: Likely pathogenic for ABCC2-related condition. Last evaluated: 2026-09-01. Review status: criteria provided, single submitter. Criteria: ACMG Guidelines, 2015. Collection method: clinical testing. Allele origin: germline.
Comment: The ABCC2 c.2333delA variant is predicted to result in a frameshift and premature protein termination (p.Asn778Ilefs*2). To our knowledge, this variant has not been reported in the literature or in a large population database (gnomAD), indicating this variant is rare. Frameshift variants in ABCC2 are expected to be pathogenic. This variant is interpreted as likely pathogenic.

Labcorp Genetics (formerly Invitae), Labcorp
Classification: Pathogenic. Last evaluated: 2023-12-17. Review status: criteria provided, single submitter. Criteria: Invitae Variant Classification Sherloc (09022015). Collection method: clinical testing. Allele origin: germline.
Comment: This sequence change creates a premature translational stop signal (p.Asn778Ilefs*2) in the ABCC2 gene. It is expected to result in an absent or disrupted protein product. Loss-of-function variants in ABCC2 are known to be pathogenic (PMID: 9185779, 16549534, 16952291). This variant is not present in population databases (gnomAD no frequency). This variant has not been reported in the literature in individuals affected with ABCC2-related conditions. For these reasons, this variant has been classified as Pathogenic.

Literature cited by the submitters: PubMed 9185779 (cited by Labcorp Genetics (formerly Invitae), Labcorp); PubMed 16549534 (cited by Labcorp Genetics (formerly Invitae), Labcorp); PubMed 16952291 (cited by Labcorp Genetics (formerly Invitae), Labcorp).

NM_000392.5(ABCC2):c.2333del (p.Asn778fs)

Gene: ABCC2 (ATP binding cassette subfamily C member 2; plus strand). Cytogenetic location: 10q24.2.
Variant type: Deletion.
Coding change: c.2333del on transcript NM_000392.5 (MANE Select); coding-DNA position 2333, one base deleted (A; older notation c.2333delA).
Protein change: p.Asn778fs; shifts the reading frame from asparagine 778.
Molecular consequence: frameshift variant.
Genome position (GRCh38, 1-based): chr10:99,818,851, A deleted; the last of 4 consecutive A bases (chr10:99,818,848-99,818,851); deleting any one gives the same sequence. VCF-style (leftmost placement, unchanged base first): chr10-99818847-CA-C. GRCh37 (hg19) VCF-style: chr10-101578604-CA-C.
Other names: c.2333delA (NM_000392.4); short protein forms N778fs.
Identifiers: ClinVar variation 3005287 (VCV003005287.4), dbSNP rs1347233847, ClinGen allele CA670623592.